The following is an entry in ClinVar:

ClinVar aggregate classification (germline): Uncertain significance. Review status: criteria provided, multiple submitters, no conflicts (2 of 4 stars). 2 submissions from 2 submitters: Uncertain significance (2). Last evaluated 2025-03-07.

Conditions:
Inborn genetic diseases. Identifiers: MedGen C0950123, MeSH D030342.
MHC class II deficiency. Also called: Bare lymphocyte syndrome 2; BLS, TYPE II. Identifiers: Orphanet 572, MedGen C5447452, MONDO:0008855.

Allele frequency attached by ClinVar (database versions not stated): gnomAD 0.00001; TOPMed 0.00002; ExAC 0.00004; gnomAD exomes 0.00004.
gnomAD v4.1: 21 of 1,614,032 alleles (0.0013%); highest among the groups gnomAD compares: East Asian, 0.031%; no homozygotes.

Submissions (2):

Ambry Genetics
Classification: Uncertain significance for Inborn genetic diseases. Last evaluated: 2025-03-07. Review status: criteria provided, single submitter. Criteria: Ambry Variant Classification Scheme 2023. Collection method: clinical testing. Allele origin: germline.

Labcorp Genetics (formerly Invitae), Labcorp
Classification: Uncertain significance for MHC class II deficiency. Last evaluated: 2021-12-07. Review status: criteria provided, single submitter. Criteria: Invitae Variant Classification Sherloc (09022015). Collection method: clinical testing. Allele origin: germline.
Comment: This sequence change replaces serine, which is neutral and polar, with tyrosine, which is neutral and polar, at codon 898 of the CIITA protein (p.Ser898Tyr). This variant is present in population databases (rs556056140, gnomAD 0.05%). This variant has not been reported in the literature in individuals affected with CIITA-related conditions. Algorithms developed to predict the effect of missense changes on protein structure and function (SIFT, PolyPhen-2, Align-GVGD) all suggest that this variant is likely to be tolerated. In summary, the available evidence is currently insufficient to determine the role of this variant in disease. Therefore, it has been classified as a Variant of Uncertain Significance.

NM_000246.4(CIITA):c.2693C>A (p.Ser898Tyr)

Gene: CIITA (class II major histocompatibility complex transactivator; plus strand). Cytogenetic location: 16p13.13.
Variant type: single nucleotide variant.
Coding change: c.2693C>A on transcript NM_000246.4 (MANE Select); coding-DNA position 2693, C replaced by A.
Protein change: p.Ser898Tyr; replaces serine 898 with tyrosine.
Molecular consequence: missense variant.
Genome position (GRCh38, 1-based): chr16:10,909,064, C>A. VCF-style: chr16-10909064-C-A. GRCh37 (hg19) VCF-style: chr16-11002921-C-A.
Other names: c.2693C>A (NM_000246.3); c.2696C>A, p.Ser899Tyr (NM_001286402.1, NM_001379332.1); c.941C>A, p.Ser314Tyr (NM_001286403.2); c.2549C>A, p.Ser850Tyr (NM_001379330.1); c.2546C>A, p.Ser849Tyr (NM_001379331.1); c.2693C>A, p.Ser898Tyr (NM_001379333.1); c.2624C>A, p.Ser875Tyr (NM_001379334.1); short protein forms S314Y, S875Y, S850Y, S849Y, S898Y, S899Y.
Identifiers: ClinVar variation 1350961 (VCV001350961.4), dbSNP rs556056140, ClinGen allele CA7900473.